The following is an entry in ClinVar:

NM_006929.5(SKIC2):c.217G>C (p.Gly73Arg)

Gene: SKIC2 (SKI2 subunit of superkiller complex; plus strand). Cytogenetic location: 6p21.33.
Variant type: single nucleotide variant.
Coding change: c.217G>C on transcript NM_006929.5 (MANE Select); coding-DNA position 217, G replaced by C.
Protein change: p.Gly73Arg; replaces glycine 73 with arginine.
Molecular consequence: missense variant.
Genome position (GRCh38, 1-based): chr6:31,960,100, G>C. VCF-style: chr6-31960100-G-C. GRCh37 (hg19) VCF-style: chr6-31927877-G-C.
Other names: short protein forms G73R.
Identifiers: ClinVar variation 1948297 (VCV001948297.5), dbSNP rs1772379362, ClinGen allele CA363434878.
Genomic context (GRCh38, chr6:31,960,100, plus strand): 5'-GATCTGCAGCAAGAAGCAGAACAGTTGTTTCTGTCATCCCCAGCCTGGCTGCCTCTGCAT[G>C]GTGTGGAGCACTCAGCCCGGTGAGGAGTCTGGAGGGGCTTAGACTAGGGTGATGGGTTCC-3'
Protein context (NP_008860.4, residues 63-83): LSSPAWLPLH[Gly73Arg]VEHSARKWQR

ClinVar aggregate classification (germline): Uncertain significance (1 of 4 stars; one submission).

Submission:

Labcorp Genetics (formerly Invitae), Labcorp
Classification: Uncertain significance. Last evaluated: 2024-10-21. Review status: criteria provided, single submitter. Criteria: Invitae Variant Classification Sherloc (09022015). Collection method: clinical testing. Allele origin: germline.
Comment: This sequence change replaces glycine, which is neutral and non-polar, with arginine, which is basic and polar, at codon 73 of the SKIV2L protein (p.Gly73Arg). This variant is not present in population databases (gnomAD no frequency). This variant has not been reported in the literature in individuals affected with SKIV2L-related conditions. ClinVar contains an entry for this variant (Variation ID: 1948297). An algorithm developed to predict the effect of missense changes on protein structure and function (PolyPhen-2) suggests that this variant is likely to be tolerated. In summary, the available evidence is currently insufficient to determine the role of this variant in disease. Therefore, it has been classified as a Variant of Uncertain Significance.